The following is an entry in ClinVar:

ClinVar aggregate classification (germline): Likely pathogenic (1 of 4 stars; one submission).

Submission:

GeneDx
Classification: Likely pathogenic. Last evaluated: 2017-01-24. Review status: criteria provided, single submitter. Criteria: GeneDx Variant Classification (06012015). Collection method: clinical testing. Allele origin: germline. Affected: yes.
Comment: The c.1218_1219insTGA variant in the IRAK3 gene has not been reported previously as a pathogenic variant nor as a benign variant, to our knowledge. The c.1218_1219insTGA variant causes an in frame insertion of a premature Stop codon at position 407 of the reading frame, denoted p.Lys406_V407insTer. This variant is predicted to cause loss of normal protein function either through protein truncation or nonsense-mediated mRNA decay. The c.1218_1219insTGA variant was not observed in approximately 6500 individuals of European and African American ancestry in the NHLBI Exome Sequencing Project, indicating it is not a common benign variant in these populations. We interpret c.1218_1219insTGA as a likely pathogenic variant.

NM_007199.3(IRAK3):c.1218_1219insTGA (p.Val407Ter)

Gene: IRAK3 (interleukin 1 receptor associated kinase 3; plus strand). Cytogenetic location: 12q14.3.
Variant type: Insertion.
Coding change: c.1218_1219insTGA on transcript NM_007199.3 (MANE Select); coding-DNA positions 1218 to 1219, TGA inserted.
Protein change: p.Val407Ter; replaces valine 407 with a stop codon.
Molecular consequence: nonsense.
Genome position: GRCh38 VCF-style: chr12-66245165-A-AATG. GRCh37 (hg19) VCF-style: chr12-66638945-A-AATG.
Other names: c.1035_1036insTGA, p.Val346Ter (NM_001142523.2); short protein forms V346*, V407*.
Identifiers: ClinVar variation 423059 (VCV000423059.2), dbSNP rs764674154, ClinGen allele CA6672909.
Genomic context (GRCh38, chr12:66,245,165, plus strand): 5'-TCCTTAGAGAATTGATGGAGAAGAGAGGCCTGGATTCATGTCTCTCATTTCTAGATAAGA[A>AATG]AGTGCCTCCCTGCCCTCGGAATTTCTCTGCCAAGCTCTTCTGTTTGGCAGGCCGGTGTGC-3'